The following is an entry in ClinVar:

ClinVar aggregate classification (germline): Uncertain significance. Review status: criteria provided, multiple submitters, no conflicts (2 of 4 stars). 5 submissions from 5 submitters: Uncertain significance (5). Last evaluated 2026-05-04.

Conditions:
Inborn genetic diseases. Identifiers: MedGen C0950123, MeSH D030342.
Joubert syndrome 21 (JBTS21). Identifiers: MedGen C3810212, MONDO:0014288, OMIM 615636.

Allele frequency attached by ClinVar (database versions not stated): gnomAD exomes 0.00002 and 0.00005; ExAC 0.00007; gnomAD 0.00013 and 0.00015; TOPMed 0.00018; ESP Exome Variant Server 0.00034.
gnomAD v4.1: 59 of 1,604,282 alleles (0.0037%); highest among the groups gnomAD compares: African/African-American, 0.054%; no homozygotes.

Submissions (5):

Women's Health and Genetics/Laboratory Corporation of America, LabCorp
Classification: Uncertain significance. Last evaluated: 2026-05-04. Review status: criteria provided, single submitter. Criteria: LabCorp Variant Classification Summary - May 2015. Collection method: clinical testing. Allele origin: germline.
Comment: Variant summary: CSPP1 c.256A>G (p.Met86Val) results in a conservative amino acid change in the encoded protein sequence. Algorithms developed to predict the effect of missense changes on protein structure and function all suggest that this variant is likely to be tolerated. The variant allele was found at a frequency of 5e-05 in 240176 control chromosomes. This frequency is not significantly higher than estimated for disease-causing variants in CSPP1, allowing no conclusion about variant significance. To our knowledge, no occurrence of c.256A>G in individuals affected with CSPP1-related conditions and no experimental evidence demonstrating its impact on protein function have been reported. ClinVar contains an entry for this variant (Variation ID: 852473). Based on the evidence outlined above, the variant was classified as uncertain significance.

Labcorp Genetics (formerly Invitae), Labcorp
Classification: Uncertain significance for Joubert syndrome 21. Last evaluated: 2025-12-30. Review status: criteria provided, single submitter. Criteria: Invitae Variant Classification Sherloc (09022015). Collection method: clinical testing. Allele origin: germline.
Comment: This sequence change replaces methionine, which is neutral and non-polar, with valine, which is neutral and non-polar, at codon 86 of the CSPP1 protein (p.Met86Val). This variant is present in population databases (rs375985758, gnomAD 0.06%). This variant has not been reported in the literature in individuals affected with CSPP1-related conditions. ClinVar contains an entry for this variant (Variation ID: 852473). An algorithm developed to predict the effect of missense changes on protein structure and function (PolyPhen-2) suggests that this variant is likely to be disruptive. In summary, the available evidence is currently insufficient to determine the role of this variant in disease. Therefore, it has been classified as a Variant of Uncertain Significance.

Blueprint Genetics
Classification: Uncertain significance. Last evaluated: 2024-07-14. Review status: criteria provided, single submitter. Criteria: ACMG Guidelines, 2015. Collection method: clinical testing. Allele origin: germline.

Ambry Genetics
Classification: Uncertain significance for Inborn genetic diseases. Last evaluated: 2023-08-04. Review status: criteria provided, single submitter. Criteria: Ambry Variant Classification Scheme 2023. Collection method: clinical testing. Allele origin: germline.

GeneDx
Classification: Uncertain significance. Last evaluated: 2022-11-03. Review status: criteria provided, single submitter. Criteria: GeneDx Variant Classification Process June 2021. Collection method: clinical testing. Allele origin: germline. Affected: yes.
Comment: In silico analysis supports that this missense variant does not alter protein structure/function; Has not been previously published as pathogenic or benign to our knowledge

NM_001382391.1(CSPP1):c.148A>G (p.Met50Val)

Gene: CSPP1 (centrosome and spindle pole associated protein 1; plus strand). Cytogenetic location: 8q13.1.
Variant type: single nucleotide variant.
Coding change: c.148A>G on transcript NM_001382391.1 (MANE Select); coding-DNA position 148, A replaced by G.
Protein change: p.Met50Val; replaces methionine 50 with valine.
Molecular consequence: missense variant.
Genome position (GRCh38, 1-based): chr8:67,076,530, A>G. VCF-style: chr8-67076530-A-G. GRCh37 (hg19) VCF-style: chr8-67988765-A-G.
Other names: c.148A>G, p.Met50Val (NM_001363131.2, NM_001363132.2, NM_001363133.2); c.256A>G, p.Met86Val (NM_001364869.1, NM_001364870.1, NM_024790.7); short protein forms M50V, M86V.
Identifiers: ClinVar variation 852473 (VCV000852473.13), dbSNP rs375985758, ClinGen allele CA4770150.